The following is an entry in ClinVar:

ClinVar aggregate classification (germline): Uncertain significance. Review status: criteria provided, multiple submitters, no conflicts (2 of 4 stars). 2 submissions from 2 submitters: Uncertain significance (2). Last evaluated 2025-06-17.

Conditions:
Hereditary cancer-predisposing syndrome. Also called: Neoplastic Syndromes, Hereditary; Hereditary neoplastic syndrome; Tumor predisposition; Hereditary Cancer Syndrome. Identifiers: Orphanet 140162, MedGen C0027672, MeSH D009386, MONDO:0015356.
Hereditary pheochromocytoma and paraganglioma. Also called: Hereditary Paraganglioma-Pheochromocytoma Syndromes; Hereditary paragangliomas and pheochromocytomas; Hereditary pheochromocytoma-paraganglioma. Identifiers: Orphanet 29072, MedGen C4274332, MONDO:0017366.

Allele frequency attached by ClinVar (database versions not stated): ExAC below 0.00001; gnomAD exomes 0.00001.

Submissions (2):

Labcorp Genetics (formerly Invitae), Labcorp
Classification: Uncertain significance for Hereditary pheochromocytoma and paraganglioma. Last evaluated: 2025-06-17. Review status: criteria provided, single submitter. Criteria: Invitae Variant Classification Sherloc (09022015). Collection method: clinical testing. Allele origin: germline.
Comment: This sequence change replaces alanine, which is neutral and non-polar, with serine, which is neutral and polar, at codon 32 of the TMEM127 protein (p.Ala32Ser). This variant is not present in population databases (gnomAD no frequency). This variant has not been reported in the literature in individuals affected with TMEM127-related conditions. ClinVar contains an entry for this variant (Variation ID: 463859). An algorithm developed to predict the effect of missense changes on protein structure and function (PolyPhen-2) suggests that this variant is likely to be tolerated. In summary, the available evidence is currently insufficient to determine the role of this variant in disease. Therefore, it has been classified as a Variant of Uncertain Significance.

Ambry Genetics
Classification: Uncertain significance for Hereditary cancer-predisposing syndrome. Last evaluated: 2024-09-02. Review status: criteria provided, single submitter. Criteria: Ambry Variant Classification Scheme 2023. Collection method: clinical testing. Allele origin: germline.
Comment: The p.A32S variant (also known as c.94G>T), located in coding exon 1 of the TMEM127 gene, results from a G to T substitution at nucleotide position 94. The alanine at codon 32 is replaced by serine, an amino acid with similar properties. This amino acid position is conserved. In addition, this alteration is predicted to be tolerated by in silico analysis. Since supporting evidence is limited at this time, the clinical significance of this alteration remains unclear.

NM_017849.4(TMEM127):c.94G>T (p.Ala32Ser)

Genes: TMEM127 (transmembrane protein 127; minus strand), LOC129934333 (ATAC-STARR-seq lymphoblastoid silent region 11759; plus strand). Cytogenetic location: 2q11.2.
Variant type: single nucleotide variant.
Coding change: c.94G>T on transcript NM_017849.4 (MANE Select); coding-DNA position 94, G replaced by T.
Protein change: p.Ala32Ser; replaces alanine 32 with serine.
Molecular consequence: missense variant.
Genome position (GRCh38, 1-based): chr2:96,265,288, C>A on the plus strand (G>T on the coding strand, the complement: TMEM127 is on the minus strand). VCF-style: chr2-96265288-C-A. GRCh37 (hg19) VCF-style: chr2-96931026-C-A.
Other names: c.94G>T, p.Ala32Ser (NM_001193304.3); short protein forms A32S.
Identifiers: ClinVar variation 463859 (VCV000463859.14), dbSNP rs770347064, ClinGen allele CA1777400.